The following is an entry in ClinVar:

ClinVar aggregate classification (germline): Likely benign (1 of 4 stars; one submission).

Conditions:
IMPDH1-related disorder. Also called: IMPDH1-related disorders; IMPDH1-related condition.

Submission:

PreventionGenetics, part of Exact Sciences
Classification: Likely benign for IMPDH1-related condition. Last evaluated: 2026-05-16. Review status: criteria provided, single submitter. Criteria: ACMG Guidelines, 2015. Collection method: clinical testing. Allele origin: germline.
Comment: This variant is classified as likely benign based on ACMG/AMP sequence variant interpretation guidelines (Richards et al. 2015 PMID: 25741868, with internal and published modifications).

NM_000883.4(IMPDH1):c.909G>T (p.Leu303=)

Gene: IMPDH1 (inosine monophosphate dehydrogenase 1; minus strand). Cytogenetic location: 7q32.1.
Variant type: single nucleotide variant.
Coding change: c.909G>T on transcript NM_000883.4 (MANE Select); coding-DNA position 909, G replaced by T.
Protein change: p.Leu303=; no amino-acid change (leucine 303 retained).
Molecular consequence: synonymous variant.
Genome position (GRCh38, 1-based): chr7:128,398,579, C>A on the plus strand (G>T on the coding strand, the complement: IMPDH1 is on the minus strand). VCF-style: chr7-128398579-C-A. GRCh37 (hg19) VCF-style: chr7-128038633-C-A.
Other names: c.879G>T, p.Leu293= (NM_001102605.2); c.654G>T, p.Leu218= (NM_001142573.2); c.639G>T, p.Leu213= (NM_001142574.2); c.579G>T, p.Leu193= (NM_001142575.2); c.810G>T, p.Leu270= (NM_001142576.2); c.702G>T, p.Leu234= (NM_001304521.2); c.801G>T, p.Leu267= (NM_183243.3).
Identifiers: ClinVar variation 5002243 (VCV005002243.1).